The following is an entry in ClinVar:

NM_004738.5(VAPB):c.310G>A (p.Ala104Thr)

Gene: VAPB (VAMP associated protein B and C; plus strand). Cytogenetic location: 20q13.32.
Variant type: single nucleotide variant.
Coding change: c.310G>A on transcript NM_004738.5 (MANE Select); coding-DNA position 310, G replaced by A.
Protein change: p.Ala104Thr; replaces alanine 104 with threonine.
Molecular consequence: missense variant. On other transcripts: intron variant (1).
Genome position (GRCh38, 1-based): chr20:58,434,700, G>A. VCF-style: chr20-58434700-G-A. GRCh37 (hg19) VCF-style: chr20-57009756-G-A.
Other names: c.212-9377G>A (NM_001195677.2); short protein forms A104T.
Identifiers: ClinVar variation 897834 (VCV000897834.33), dbSNP rs1295445556, ClinGen allele CA409439272.

ClinVar aggregate classification (germline): Uncertain significance. Review status: criteria provided, multiple submitters, no conflicts (2 of 4 stars). 5 submissions from 4 submitters: Uncertain significance (5). Last evaluated 2024-07-01.

Conditions:
Amyotrophic lateral sclerosis type 8 (ALS8). Identifiers: Orphanet 803, MedGen C1837728, MONDO:0012077, OMIM 608627.
Adult-onset proximal spinal muscular atrophy, autosomal dominant. Also called: FINKEL LATE-ADULT TYPE SMA; Spinal muscular atrophy, late-onset, finkel type. Identifiers: Orphanet 209335, MedGen C1854058, MONDO:0008453, OMIM 182980.

Allele frequency attached by ClinVar (database versions not stated): gnomAD exomes below 0.00001; TOPMed 0.00001.
gnomAD v4.1: 4 of 1,482,992 alleles (0.00027%); highest among the groups gnomAD compares: Non-Finnish European, 0.00038%; no homozygotes.

Submissions (5):

CeGaT Center for Human Genetics Tuebingen
Classification: Uncertain significance. Last evaluated: 2024-07-01. Review status: criteria provided, single submitter. Criteria: CeGaT Center For Human Genetics Tuebingen Variant Classification Criteria Version 2. Collection method: clinical testing. Allele origin: germline. Affected: yes. Observed: 1 variant allele.
Comment: VAPB: PM2

GeneDx
Classification: Uncertain significance. Last evaluated: 2024-03-21. Review status: criteria provided, single submitter. Criteria: GeneDx Variant Classification Process June 2021. Collection method: clinical testing. Allele origin: germline. Affected: yes.
Comment: Not observed at significant frequency in large population cohorts (gnomAD); In silico analysis supports that this missense variant does not alter protein structure/function; This variant is associated with the following publications: (PMID: 22878164)

Labcorp Genetics (formerly Invitae), Labcorp
Classification: Uncertain significance for Adult-onset proximal spinal muscular atrophy, autosomal dominant; Amyotrophic lateral sclerosis type 8. Last evaluated: 2024-01-15. Review status: criteria provided, single submitter. Criteria: Invitae Variant Classification Sherloc (09022015). Collection method: clinical testing. Allele origin: germline.
Comment: This sequence change replaces alanine, which is neutral and non-polar, with threonine, which is neutral and polar, at codon 104 of the VAPB protein (p.Ala104Thr). This variant is not present in population databases (gnomAD no frequency). This variant has not been reported in the literature in individuals affected with VAPB-related conditions. ClinVar contains an entry for this variant (Variation ID: 897834). Advanced modeling of protein sequence and biophysical properties (such as structural, functional, and spatial information, amino acid conservation, physicochemical variation, residue mobility, and thermodynamic stability) performed at Invitae indicates that this missense variant is not expected to disrupt VAPB protein function with a negative predictive value of 80%. In summary, the available evidence is currently insufficient to determine the role of this variant in disease. Therefore, it has been classified as a Variant of Uncertain Significance.

Illumina Laboratory Services, Illumina
Classification: Uncertain significance for Adult-onset proximal spinal muscular atrophy, autosomal dominant. Last evaluated: 2017-04-27. Review status: criteria provided, single submitter. Criteria: ICSL Variant Classification Criteria 13 December 2019. Collection method: clinical testing. Allele origin: germline.

Illumina Laboratory Services, Illumina
Classification: Uncertain significance for Amyotrophic lateral sclerosis type 8. Last evaluated: 2017-04-27. Review status: criteria provided, single submitter. Criteria: ICSL Variant Classification Criteria 13 December 2019. Collection method: clinical testing. Allele origin: germline.
Comment: This variant was observed as part of a predisposition screen in an ostensibly healthy population. A literature search was performed for the gene, cDNA change, and amino acid change (where applicable). Publications were found based on this search. However, the evidence from the literature, in combination with allele frequency data from public databases where available, was not sufficient to rule this variant in or out of causing disease. Therefore, this variant is classified as a variant of unknown significance.

Literature cited by the submitters: PubMed 22878164 (cited by Illumina Laboratory Services, Illumina).